The following is an entry in ClinVar:

ClinVar aggregate classification (germline): Conflicting classifications of pathogenicity. Review status: criteria provided, conflicting classifications (1 of 4 stars). 5 submissions from 5 submitters: Uncertain significance (2); Likely benign (2). 1 of the submissions does not count toward it. Last evaluated 2026-01-21.

Conditions:
Inborn genetic diseases. Identifiers: MedGen C0950123, MeSH D030342.
Progressive myoclonic epilepsy. Also called: Myoclonic Epilepsies, Progressive; Progressive myoclonus epilepsy; Familial progressive myoclonic epilepsy; Myoclonus epilepsy. Identifiers: Orphanet 308, Orphanet 98261, MedGen C0751778, MONDO:0020074.
SCARB2-related disorder. Also called: SCARB2-related condition.

Allele frequency attached by ClinVar (database versions not stated): gnomAD exomes 0.00017; ExAC 0.00022; gnomAD 0.00058 and 0.00060; 1000 Genomes Project 0.00060; TOPMed 0.00073; ESP Exome Variant Server 0.00077; 1000 Genomes Project 30x 0.00094.
gnomAD v4.1: 184 of 1,611,702 alleles (0.011%); highest among the groups gnomAD compares: African/African-American, 0.2%; no homozygotes.

Submissions (5):

Labcorp Genetics (formerly Invitae), Labcorp
Classification: Likely benign for Progressive myoclonic epilepsy. Last evaluated: 2026-01-21. Review status: criteria provided, single submitter. Criteria: Invitae Variant Classification Sherloc (09022015). Collection method: clinical testing. Allele origin: germline.

GeneDx
Classification: Likely benign. Last evaluated: 2020-04-06. Review status: criteria provided, single submitter. Criteria: GeneDx Variant Classification Process June 2021. Collection method: clinical testing. Allele origin: germline. Affected: yes.

Ambry Genetics
Classification: Uncertain significance for Inborn genetic diseases. Last evaluated: 2018-11-16. Review status: criteria provided, single submitter. Criteria: Ambry Variant Classification Scheme 2023. Collection method: clinical testing. Allele origin: germline.
Comment: The c.424-4G>A intronic variant results from a G to A substitution 4 nucleotides upstream from coding exon 4 in the SCARB2 gene. This nucleotide position is not well conserved in available vertebrate species. Using the BDGP and ESEfinder splice site prediction tools, this alteration is not predicted to have any significant effect on this splice acceptor site; however, direct evidence is unavailable. Since supporting evidence is limited at this time, the clinical significance of this alteration remains unclear.

Eurofins Ntd Llc (ga)
Classification: Uncertain significance. Last evaluated: 2017-01-26. Review status: criteria provided, single submitter. Criteria: EGL Classification Definitions 2015. Collection method: clinical testing. Allele origin: germline. Observed: 1 variant allele, 1 heterozygote.

PreventionGenetics, part of Exact Sciences
Classification: Likely benign for SCARB2-related condition. Last evaluated: 2024-03-11. Review status: no assertion criteria provided. Collection method: clinical testing. Allele origin: germline. Not counted in ClinVar's aggregate classification.
Comment: This variant is classified as likely benign based on ACMG/AMP sequence variant interpretation guidelines (Richards et al. 2015 PMID: 25741868, with internal and published modifications).

NM_005506.4(SCARB2):c.424-4G>A

Gene: SCARB2 (scavenger receptor class B member 2; minus strand). Cytogenetic location: 4q21.1.
Variant type: single nucleotide variant.
Coding change: c.424-4G>A on transcript NM_005506.4 (MANE Select); 4 bases into the intron before coding-DNA position 424, G replaced by A.
Molecular consequence: intron variant.
Genome position (GRCh38, 1-based): chr4:76,179,709, C>T on the plus strand (G>A on the coding strand, the complement: SCARB2 is on the minus strand). VCF-style: chr4-76179709-C-T. GRCh37 (hg19) VCF-style: chr4-77100862-C-T.
Other names: c.276-3799G>A (NM_001204255.2).
Identifiers: ClinVar variation 379302 (VCV000379302.22), dbSNP rs368869126, ClinGen allele CA2970330.
Genomic context (GRCh38, chr4:76,179,709, plus strand): 5'-CAACATGGCCTCGATGATCTCCCTGAGGAAGTGCACCTGGGACCACTCTATGACAGTCTG[C>T]GGAGCAGAGGTATATTAAGACAGCAGCATCCCCTCCAAAGCACCTCCATCCACTCTCTCC-3'